The following is an entry in ClinVar:

ClinVar aggregate classification (germline): Uncertain significance. Review status: criteria provided, multiple submitters, no conflicts (2 of 4 stars). 5 submissions from 5 submitters: Uncertain significance (5). Last evaluated 2024-03-02.

Conditions:
Inborn genetic diseases. Identifiers: MedGen C0950123, MeSH D030342.
Vanishing white matter disease. Also called: Childhood ataxia with diffuse central nervous system hypomyelination; Leukoencephalopathy with vanishing white matter; CACH/VWM syndrome; Cree leukoencehalopathy; CACH syndrome. Identifiers: Orphanet 135, Orphanet 99853, MedGen C1858991, MONDO:0800448.

Allele frequency attached by ClinVar (database versions not stated): gnomAD exomes 0.00004 and 0.00006; TOPMed 0.00005; ExAC 0.00007; ESP Exome Variant Server 0.00008; gnomAD 0.00010.
gnomAD v4.1: 84 of 1,614,080 alleles (0.0052%); highest among the groups gnomAD compares: Admixed American, 0.0033%; no homozygotes.

Submissions (5):

Blueprint Genetics
Classification: Uncertain significance. Last evaluated: 2024-03-02. Review status: criteria provided, single submitter. Criteria: ACMG Guidelines, 2015. Collection method: clinical testing. Allele origin: germline.

Ambry Genetics
Classification: Uncertain significance for Inborn genetic diseases. Last evaluated: 2023-11-28. Review status: criteria provided, single submitter. Criteria: Ambry Variant Classification Scheme 2023. Collection method: clinical testing. Allele origin: germline.

CeGaT Center for Human Genetics Tuebingen
Classification: Uncertain significance. Last evaluated: 2022-06-01. Review status: criteria provided, single submitter. Criteria: CeGaT Center For Human Genetics Tuebingen Variant Classification Criteria Version 2. Collection method: clinical testing. Allele origin: germline. Affected: yes. Observed: 1 variant allele.

Labcorp Genetics (formerly Invitae), Labcorp
Classification: Uncertain significance. Last evaluated: 2022-03-26. Review status: criteria provided, single submitter. Criteria: Invitae Variant Classification Sherloc (09022015). Collection method: clinical testing. Allele origin: germline.
Comment: This sequence change replaces arginine, which is basic and polar, with cysteine, which is neutral and slightly polar, at codon 320 of the EIF2B4 protein (p.Arg320Cys). This variant is present in population databases (rs200954953, gnomAD 0.09%). This variant has not been reported in the literature in individuals affected with EIF2B4-related conditions. ClinVar contains an entry for this variant (Variation ID: 335537). Algorithms developed to predict the effect of missense changes on protein structure and function are either unavailable or do not agree on the potential impact of this missense change (SIFT: "Deleterious"; PolyPhen-2: "Benign"; Align-GVGD: "Class C15"). Algorithms developed to predict the effect of sequence changes on RNA splicing suggest that this variant may disrupt the consensus splice site. In summary, the available evidence is currently insufficient to determine the role of this variant in disease. Therefore, it has been classified as a Variant of Uncertain Significance.

Illumina Laboratory Services, Illumina
Classification: Uncertain significance for Leukoencephalopathy with vanishing white matter 1. Last evaluated: 2018-01-13. Review status: criteria provided, single submitter. Criteria: ICSL Variant Classification Criteria 13 December 2019. Collection method: clinical testing. Allele origin: germline.

NM_001034116.2(EIF2B4):c.961C>T (p.Arg321Cys)

Genes: EIF2B4 (eukaryotic translation initiation factor 2B subunit delta; minus strand), GTF3C2-AS2 (GTF3C2 antisense RNA 2; plus strand). Cytogenetic location: 2p23.3.
Variant type: single nucleotide variant.
Coding change: c.961C>T on transcript NM_001034116.2 (MANE Select); coding-DNA position 961, C replaced by T.
Protein change: p.Arg321Cys; replaces arginine 321 with cysteine.
Molecular consequence: missense variant.
Genome position (GRCh38, 1-based): chr2:27,367,126, G>A on the plus strand (C>T on the coding strand, the complement: EIF2B4 is on the minus strand). VCF-style: chr2-27367126-G-A. GRCh37 (hg19) VCF-style: chr2-27589993-G-A.
Other names: c.1024C>T, p.Arg342Cys (NM_001318965.2); c.916C>T, p.Arg306Cys (NM_001318966.2); c.868C>T, p.Arg290Cys (NM_001318967.2); c.376C>T, p.Arg126Cys (NM_001318968.2); c.343C>T, p.Arg115Cys (NM_001318969.2); c.958C>T, p.Arg320Cys (NM_015636.4); c.1021C>T, p.Arg341Cys (NM_172195.4); short protein forms R320C, R321C, R290C, R126C, R115C, R341C, R306C, R342C.
Identifiers: ClinVar variation 335537 (VCV000335537.39), dbSNP rs200954953, ClinGen allele CA1576691.